The following is an entry in ClinVar:

ClinVar aggregate classification (germline): Pathogenic (1 of 4 stars; one submission).

Submission:

Labcorp Genetics (formerly Invitae), Labcorp
Classification: Pathogenic. Last evaluated: 2024-10-07. Review status: criteria provided, single submitter. Criteria: Invitae Variant Classification Sherloc (09022015). Collection method: clinical testing. Allele origin: germline.
Comment: This sequence change creates a premature translational stop signal (p.Ser1288*) in the TCF20 gene. It is expected to result in an absent or disrupted protein product. Loss-of-function variants in TCF20 are known to be pathogenic (PMID: 30739909, 30819258). This variant is not present in population databases (gnomAD no frequency). This variant has not been reported in the literature in individuals affected with TCF20-related conditions. For these reasons, this variant has been classified as Pathogenic.

Literature cited by the submitters: PubMed 30739909; PubMed 30819258.

NM_001378418.1(TCF20):c.3863C>G (p.Ser1288Ter)

Gene: TCF20 (transcription factor 20; minus strand). Cytogenetic location: 22q13.2.
Variant type: single nucleotide variant.
Coding change: c.3863C>G on transcript NM_001378418.1 (MANE Select); coding-DNA position 3863, C replaced by G.
Protein change: p.Ser1288Ter; replaces serine 1288 with a stop codon.
Molecular consequence: nonsense.
Genome position (GRCh38, 1-based): chr22:42,211,443, G>C on the plus strand (C>G on the coding strand, the complement: TCF20 is on the minus strand). VCF-style: chr22-42211443-G-C. GRCh37 (hg19) VCF-style: chr22-42607449-G-C.
Other names: c.3863C>G, p.Ser1288Ter (NM_005650.4, NM_181492.3); short protein forms S1288*.
Identifiers: ClinVar variation 2704544 (VCV002704544.3), dbSNP rs2518211759, ClinGen allele CA411785552.